The following is an entry in ClinVar:

NM_005592.4(MUSK):c.1586+1G>A

Gene: MUSK (muscle associated receptor tyrosine kinase; plus strand). Cytogenetic location: 9q31.3.
Variant type: single nucleotide variant.
Coding change: c.1586+1G>A on transcript NM_005592.4 (MANE Select); the canonical splice donor site of the intron after coding-DNA position 1586, G replaced by A.
Molecular consequence: splice donor variant.
Genome position (GRCh38, 1-based): chr9:110,785,017, G>A. VCF-style: chr9-110785017-G-A. GRCh37 (hg19) VCF-style: chr9-113547297-G-A.
Other names: c.1328+1G>A (NM_001166280.2); c.1298+1G>A (NM_001166281.2); c.326+1G>A (NM_001369398.1).
Identifiers: ClinVar variation 2933320 (VCV002933320.4), dbSNP rs2491148034, ClinGen allele CA374475592.

ClinVar aggregate classification (germline): Likely pathogenic. Review status: criteria provided, multiple submitters, no conflicts (2 of 4 stars). 2 submissions from 2 submitters: Likely pathogenic (2). Last evaluated 2025-11-01.

Conditions:
Congenital myasthenic syndrome 9. Also called: Myasthenic syndrome, congenital, 9, associated with acetylcholine receptor deficiency. Identifiers: Orphanet 590, MedGen C4225368, MONDO:0014587, OMIM 616325.
Fetal akinesia deformation sequence 1 (FADS1). Also called: Fetal akinesia sequence; Pena-Shokeir syndrome type I. Identifiers: Orphanet 994, MedGen C1276035, MONDO:0100101, OMIM 208150, HP:0001989.

Allele frequency attached by ClinVar (database versions not stated): gnomAD exomes below 0.00001.
gnomAD v4.1: 1 of 1,612,990 alleles (0.000062%); highest among the groups gnomAD compares: Non-Finnish European, 0.000085%; no homozygotes.

Submissions (2):

Labcorp Genetics (formerly Invitae), Labcorp
Classification: Likely pathogenic for Congenital myasthenic syndrome 9; Fetal akinesia deformation sequence 1. Last evaluated: 2025-11-01. Review status: criteria provided, single submitter. Criteria: Invitae Variant Classification Sherloc (09022015). Collection method: clinical testing. Allele origin: germline.
Comment: This sequence change affects a donor splice site in intron 12 of the MUSK gene. It is expected to disrupt RNA splicing. Variants that disrupt the donor or acceptor splice site typically lead to a loss of protein function (PMID: 16199547), and loss-of-function variants in MUSK are known to be pathogenic (PMID: 8653786, 25612909, 25695962, 25900532). This variant is not present in population databases (gnomAD no frequency). This variant has not been reported in the literature in individuals affected with MUSK-related conditions. ClinVar contains an entry for this variant (Variation ID: 2933320). Algorithms developed to predict the effect of sequence changes on RNA splicing suggest that this variant may disrupt the consensus splice site. In summary, the currently available evidence indicates that the variant is pathogenic, but additional data are needed to prove that conclusively. Therefore, this variant has been classified as Likely Pathogenic.

Fulgent Genetics
Classification: Likely pathogenic for Fetal akinesia deformation sequence 1; Congenital myasthenic syndrome 9. Last evaluated: 2024-05-15. Review status: criteria provided, single submitter. Criteria: ACMG Guidelines, 2015. Collection method: clinical testing. Allele origin: germline.

Literature cited by the submitters: PubMed 16199547 (cited by Labcorp Genetics (formerly Invitae), Labcorp); PubMed 8653786 (cited by Labcorp Genetics (formerly Invitae), Labcorp); PubMed 25612909 (cited by Labcorp Genetics (formerly Invitae), Labcorp); PubMed 25695962 (cited by Labcorp Genetics (formerly Invitae), Labcorp); PubMed 25900532 (cited by Labcorp Genetics (formerly Invitae), Labcorp).